The following is an entry in ClinVar:

ClinVar aggregate classification (germline): Uncertain significance (1 of 4 stars; one submission).

Conditions:
Inborn genetic diseases. Identifiers: MedGen C0950123, MeSH D030342.

gnomAD v4.1: 2 of 1,596,100 alleles (0.00013%); highest among the groups gnomAD compares: South Asian, 0.0011%; no homozygotes.

Submission:

Ambry Genetics
Classification: Uncertain significance for Inborn genetic diseases. Last evaluated: 2025-03-14. Review status: criteria provided, single submitter. Criteria: Ambry Variant Classification Scheme 2023. Collection method: clinical testing. Allele origin: germline.
Comment: The p.P1035L variant (also known as c.3104C>T), located in coding exon 30 of the RTEL1 gene, results from a C to T substitution at nucleotide position 3104. The proline at codon 1035 is replaced by leucine, an amino acid with similar properties. This amino acid position is conserved. In addition, this alteration is predicted to be tolerated by in silico analysis. Based on the available evidence, the clinical significance of this variant remains unclear.

NM_001283009.2(RTEL1):c.3104C>T (p.Pro1035Leu)

Genes: RTEL1 (regulator of telomere elongation helicase 1; plus strand), RTEL1-TNFRSF6B (RTEL1-TNFRSF6B readthrough (NMD candidate); plus strand). Cytogenetic location: 20q13.33.
Variant type: single nucleotide variant.
Coding change: c.3104C>T on transcript NM_001283009.2 (MANE Select); coding-DNA position 3104, C replaced by T.
Protein change: p.Pro1035Leu; replaces proline 1035 with leucine.
Molecular consequence: missense variant. On other transcripts: non-coding transcript variant (1).
Genome position (GRCh38, 1-based): chr20:63,694,483, C>T. VCF-style: chr20-63694483-C-T. GRCh37 (hg19) VCF-style: chr20-62325836-C-T.
Other names: c.2435C>T, p.Pro812Leu (NM_001283010.1); c.3104C>T, p.Pro1035Leu (NM_016434.4); c.3176C>T, p.Pro1059Leu (NM_032957.5); short protein forms P1035L, P1059L, P812L.
Identifiers: ClinVar variation 3791219 (VCV003791219.1).